The following is an entry in ClinVar:

ClinVar aggregate classification (germline): Likely pathogenic. Review status: criteria provided, multiple submitters, no conflicts (2 of 4 stars). 5 submissions from 5 submitters: Likely pathogenic (4). 1 of the submissions does not count toward it. Last evaluated 2025-10-31.

Conditions:
RPGRIP1L-related disorder. Also called: RPGRIP1L-related disorders; RPGRIP1L-related condition. Identifiers: MedGen CN239416.
Meckel-Gruber syndrome. Also called: GRUBER SYNDROME; DYSENCEPHALIA SPLANCHNOCYSTICA; Dysencephalia splachnocystica. Identifiers: Orphanet 564, MedGen C0265215, MONDO:0018921.
Joubert syndrome. Also called: JOUBERT-BOLTSHAUSER SYNDROME; Familial aplasia of the vermis. Identifiers: Orphanet 475, MedGen C5979921, MONDO:0018772.

Allele frequency attached by ClinVar (database versions not stated): gnomAD 0.00001; gnomAD exomes 0.00001; TOPMed 0.00001.
gnomAD v4.1: 10 of 1,614,076 alleles (0.00062%); highest among the groups gnomAD compares: Non-Finnish European, 0.00085%; no homozygotes.

Submissions (5):

Natera, Inc.
Classification: Likely pathogenic for Joubert syndrome. Last evaluated: 2025-10-31. Review status: criteria provided, single submitter. Criteria: Natera Variant Classification Schema (03/2026). Collection method: clinical testing. Allele origin: germline.
Comment: The c.1897T>C variant in RPGRIP1L is a missense variant predicted to cause substitution of cysteine to arginine at amino acid 633. This variant is rare in the general population with a frequency below the threshold expected for the associated phenotype(s). This variant has been observed in one or more individuals affected with the associated recessive disease, as either homozygous or compound heterozygous with a second variant (PMID: 37230223, 22331178, 17960139). Additionally, this variant has been observed to segregate in affected family members (PMID: 37230223). Computational prediction algorithms indicate this variant is likely to affect gene or protein function. Given the available evidence, this variant is classified as Likely Pathogenic.

GeneDx
Classification: Likely pathogenic. Last evaluated: 2025-06-12. Review status: criteria provided, single submitter. Criteria: GeneDx Variant Classification Process June 2021. Collection method: clinical testing. Allele origin: germline. Affected: yes.
Comment: Not observed at significant frequency in large population cohorts (gnomAD); In silico analysis supports that this missense variant has a deleterious effect on protein structure/function; This variant is associated with the following publications: (PMID: 21866095, 17960139, 18046420, 37230223, 22331178)

Labcorp Genetics (formerly Invitae), Labcorp
Classification: Likely pathogenic for Joubert syndrome; Meckel-Gruber syndrome. Last evaluated: 2024-11-25. Review status: criteria provided, single submitter. Criteria: Invitae Variant Classification Sherloc (09022015). Collection method: clinical testing. Allele origin: germline.
Comment: This sequence change replaces cysteine, which is neutral and slightly polar, with arginine, which is basic and polar, at codon 633 of the RPGRIP1L protein (p.Cys633Arg). This variant is not present in population databases (gnomAD no frequency). This missense change has been observed in individual(s) with clinical features of Joubert syndrome (PMID: 17960139, 22331178). ClinVar contains an entry for this variant (Variation ID: 2137810). Invitae Evidence Modeling of protein sequence and biophysical properties (such as structural, functional, and spatial information, amino acid conservation, physicochemical variation, residue mobility, and thermodynamic stability) indicates that this missense variant is expected to disrupt RPGRIP1L protein function with a positive predictive value of 80%. In summary, the currently available evidence indicates that the variant is pathogenic, but additional data are needed to prove that conclusively. Therefore, this variant has been classified as Likely Pathogenic.

Blueprint Genetics
Classification: Likely pathogenic for RPGRIP1L-related disorders. Last evaluated: 2017-11-12. Review status: criteria provided, single submitter. Criteria: ACMG Guidelines, 2015. Collection method: clinical testing. Allele origin: germline. Affected: yes. Observed: 1 variant allele.

PreventionGenetics, part of Exact Sciences
Classification: Likely pathogenic for RPGRIP1L-related condition. Last evaluated: 2024-05-21. Review status: no assertion criteria provided. Collection method: clinical testing. Allele origin: germline. Not counted in ClinVar's aggregate classification.
Comment: The RPGRIP1L c.1897T>C variant is predicted to result in the amino acid substitution p.Cys633Arg. This variant was reported in the homozygous state in an individual with Joubert syndrome that was negative for homozygous NPHP1 deletions or variants in the Joubert-associated genes AHI1 and CEP290 (Wolf et al 2007. PubMed ID: 17960139). This variant was also reported in a compound heterozygous state with a truncating variant in a patient with Joubert syndrome (Juric-Sekhar et al. 2012. PubMed ID: 22331178). This variant is located in the C2 domain of the RPGRIP1L protein, close to the nephrocystin-4-interacting region (Wolf et al 2007. PubMed ID: 17960139). The amino acid cysteine at residue 633 is highly conserved (Alamut Visual Plus v1.6.1). This variant has not been reported in gnomAD, indicating this variant is rare. Taken together, this variant is interpreted as likely pathogenic.

Literature cited by the submitters: PubMed 37230223 (cited by Natera, Inc.); PubMed 22331178 (cited by Natera, Inc. and Labcorp Genetics (formerly Invitae), Labcorp); PubMed 17960139 (cited by Natera, Inc. and Labcorp Genetics (formerly Invitae), Labcorp).

NM_015272.5(RPGRIP1L):c.1897T>C (p.Cys633Arg)

Gene: RPGRIP1L (RPGRIP1 like; minus strand). Cytogenetic location: 16q12.2.
Variant type: single nucleotide variant.
Coding change: c.1897T>C on transcript NM_015272.5 (MANE Select); coding-DNA position 1897, T replaced by C.
Protein change: p.Cys633Arg; replaces cysteine 633 with arginine.
Molecular consequence: missense variant.
Genome position (GRCh38, 1-based): chr16:53,652,790, A>G on the plus strand (T>C on the coding strand, the complement: RPGRIP1L is on the minus strand). VCF-style: chr16-53652790-A-G. GRCh37 (hg19) VCF-style: chr16-53686702-A-G.
Other names: c.1897T>C (NM_015272.4, NM_015272.2); c.1897T>C, p.Cys633Arg (NM_001127897.4, NM_001308334.3, NM_001330538.2); short protein forms C633R.
Identifiers: ClinVar variation 2137810 (VCV002137810.8), dbSNP rs898062661, ClinGen allele CA281344135.